The following is an entry in ClinVar:

NM_004304.5(ALK):c.922G>C (p.Gly308Arg)

Gene: ALK (ALK receptor tyrosine kinase; minus strand). Cytogenetic location: 2p23.2.
Variant type: single nucleotide variant.
Coding change: c.922G>C on transcript NM_004304.5 (MANE Select); coding-DNA position 922, G replaced by C.
Protein change: p.Gly308Arg; replaces glycine 308 with arginine.
Molecular consequence: missense variant.
Genome position (GRCh38, 1-based): chr2:29,694,880, C>G on the plus strand (G>C on the coding strand, the complement: ALK is on the minus strand). VCF-style: chr2-29694880-C-G. GRCh37 (hg19) VCF-style: chr2-29917746-C-G.
Other names: short protein forms G308R.
Identifiers: ClinVar variation 3855733 (VCV003855733.2).

ClinVar aggregate classification (germline): Conflicting classifications of pathogenicity. Review status: criteria provided, conflicting classifications (1 of 4 stars). 2 submissions from 2 submitters: Uncertain significance (1); Likely benign (1). Last evaluated 2025-08-30.

Conditions:
Neuroblastoma, susceptibility to, 3. Also called: ALK-Related Neuroblastic Tumor Susceptibility. Identifiers: Orphanet 635, MedGen C2751681, MONDO:0013083, OMIM 613014.
Hereditary cancer-predisposing syndrome. Also called: Neoplastic Syndromes, Hereditary; Tumor predisposition; Hereditary neoplastic syndrome; Hereditary Cancer Syndrome. Identifiers: Orphanet 140162, MedGen C0027672, MeSH D009386, MONDO:0015356.

gnomAD v4.1: 2 of 1,614,036 alleles (0.00012%); highest among the groups gnomAD compares: Non-Finnish European, 0.00017%; no homozygotes.

Submissions (2):

Labcorp Genetics (formerly Invitae), Labcorp
Classification: Uncertain significance for Neuroblastoma, susceptibility to, 3. Last evaluated: 2025-08-30. Review status: criteria provided, single submitter. Criteria: Invitae Variant Classification Sherloc (09022015). Collection method: clinical testing. Allele origin: germline.
Comment: This sequence change replaces glycine, which is neutral and non-polar, with arginine, which is basic and polar, at codon 308 of the ALK protein (p.Gly308Arg). This variant is not present in population databases (gnomAD no frequency). This variant has not been reported in the literature in individuals affected with ALK-related conditions. ClinVar contains an entry for this variant (Variation ID: 3855733). An algorithm developed to predict the effect of missense changes on protein structure and function (PolyPhen-2) suggests that this variant is likely to be tolerated. In summary, the available evidence is currently insufficient to determine the role of this variant in disease. Therefore, it has been classified as a Variant of Uncertain Significance.

Ambry Genetics
Classification: Likely benign for Hereditary cancer-predisposing syndrome. Last evaluated: 2025-02-25. Review status: criteria provided, single submitter. Criteria: Ambry Variant Classification Scheme 2023. Collection method: clinical testing. Allele origin: germline.